The following is an entry in ClinVar:

ClinVar aggregate classification (germline): Uncertain significance. Review status: criteria provided, multiple submitters, no conflicts (2 of 4 stars). 4 submissions from 4 submitters: Uncertain significance (2). 2 of the submissions do not count toward it. Last evaluated 2025-06-25.

Conditions:
HEMOGLOBIN HOPKINS 2.
alpha Thalassemia. Also called: Alpha thalassemia spectrum. Identifiers: Orphanet 846, MedGen C0002312, MONDO:0011399, OMIM 604131.

Allele frequency attached by ClinVar (database versions not stated): gnomAD exomes below 0.00001 and 0.00001; gnomAD 0.00001; TOPMed 0.00001; ExAC 0.00002.

Submissions (4):

ARUP Laboratories, Molecular Genetics and Genomics, ARUP Laboratories
Classification: Uncertain significance. Last evaluated: 2025-06-25. Review status: criteria provided, single submitter. Criteria: ARUP Molecular Germline Variant Investigation Process 2024. Collection method: clinical testing. Allele origin: germline.
Comment: The Hb Hopkins-II variant (HBA1 c.337C>G; p.His113Asp, also known as His112Asp when numbered from the mature protein, rs34830032, HbVar ID: 173) is reported in the literature without clinical information (see HbVar link and references therein). This variant is reported in ClinVar (Variation ID: 15745), and is only observed on one allele in the Genome Aggregation Database, indicating it is not a common polymorphism. The histidine at codon 113 is highly conserved, and computational are uncertain whether this variant is neutral or deleterious (REVEL: 0.535). Due to limited information, the clinical significance of the Hb Hopkins-II variant is uncertain at this time. References: Link to HbVar

Quest Diagnostics Nichols Institute San Juan Capistrano
Classification: Uncertain significance. Last evaluated: 2025-01-14. Review status: criteria provided, single submitter. Criteria: Quest Diagnostics criteria. Collection method: clinical testing. Allele origin: unknown.
Comment: The HBA1 c.337C>G (p.His113Asp) variant has been described in the published literature in reportedly healthy individuals (PMID: 4503918 (1972)). A functional study demonstrated that this variant was damaging to protein function (PMID: 4503918 (1972)). The frequency of this variant in the general population (Genome Aggregation Database) is uninformative in the assessment of its pathogenicity. Analysis of this variant using bioinformatics tools for the prediction of the effect of amino acid changes on protein structure and function yielded predictions that this variant is damaging. Based on the available information, we are unable to determine the clinical significance of this variant.

Natera, Inc.
Classification: Uncertain significance for Alpha thalassemia. Last evaluated: 2021-02-05. Review status: no assertion criteria provided. Collection method: clinical testing. Allele origin: germline. Not counted in ClinVar's aggregate classification.

OMIM
Classification: other for HEMOGLOBIN HOPKINS 2. Last evaluated: 2016-07-20. Review status: no assertion criteria provided. Collection method: literature only. Allele origin: germline. Not counted in ClinVar's aggregate classification.

Literature cited by the submitters: PubMed 5288820 (cited by Quest Diagnostics Nichols Institute San Juan Capistrano); PubMed 4503918 (cited by Quest Diagnostics Nichols Institute San Juan Capistrano); PubMed 4503919 (cited by Quest Diagnostics Nichols Institute San Juan Capistrano and OMIM); PubMed 646867 (cited by Quest Diagnostics Nichols Institute San Juan Capistrano and OMIM); PubMed 13500096 (cited by Quest Diagnostics Nichols Institute San Juan Capistrano and OMIM); PubMed 26635043 (cited by Quest Diagnostics Nichols Institute San Juan Capistrano); PubMed 25130136 (cited by Quest Diagnostics Nichols Institute San Juan Capistrano); PubMed 31553106 (cited by Quest Diagnostics Nichols Institute San Juan Capistrano); PubMed 16590776 (cited by OMIM); Bradley, T. B., Jr., Boyer, S. H., Allen, F. H., Jr. Hopkins-2 hemoglobin: a revised pedigree with data on blood and serum groups. Bull. Johns Hopkins Hosp. 108: 75-79, 1961. (cited by OMIM).

NM_000558.5(HBA1):c.337C>G (p.His113Asp)

Genes: HBA1 (hemoglobin subunit alpha 1; plus strand), LOC106804613 (hemoglobin subunit alpha 1 recombination region; plus strand). Cytogenetic location: 16p13.3.
Variant type: single nucleotide variant.
Coding change: c.337C>G on transcript NM_000558.5 (MANE Select); coding-DNA position 337, C replaced by G.
Protein change: p.His113Asp; replaces histidine 113 with aspartic acid.
Molecular consequence: missense variant.
Genome position (GRCh38, 1-based): chr16:177,319, C>G. VCF-style: chr16-177319-C-G. GRCh37 (hg19) VCF-style: chr16-227318-C-G.
Other names: H112D; short protein forms H113D.
Identifiers: ClinVar variation 15745 (VCV000015745.18), dbSNP rs34830032, ClinGen allele CA125757.